The following is an entry in ClinVar:

ClinVar aggregate classification (germline): Uncertain significance (1 of 4 stars; one submission).

Conditions:
Hereditary cancer-predisposing syndrome. Also called: Tumor predisposition; Hereditary Cancer Syndrome; Hereditary neoplastic syndrome; Neoplastic Syndromes, Hereditary. Identifiers: Orphanet 140162, MedGen C0027672, MeSH D009386, MONDO:0015356.

Submission:

Ambry Genetics
Classification: Uncertain significance for Hereditary cancer-predisposing syndrome. Last evaluated: 2024-05-24. Review status: criteria provided, single submitter. Criteria: Ambry Variant Classification Scheme 2023. Collection method: clinical testing. Allele origin: germline.
Comment: The p.Q174R variant (also known as c.521A>G), located in coding exon 5 of the PMS2 gene, results from an A to G substitution at nucleotide position 521. The glutamine at codon 174 is replaced by arginine, an amino acid with highly similar properties. This alteration was observed in a Japanese population cohort of 2049 individuals who underwent whole-genome sequencing (Yamaguchi-Kabata Y et al. J Hum Genet, 2018 Feb;63:213-230) and in a cohort of breast cancer patients undergoing whole exome sequencing (Dumont M et al. Cancers (Basel), 2022 Jul;14:). This amino acid position is highly conserved in available vertebrate species. In addition, this alteration is predicted to be deleterious by in silico analysis. Based on the available evidence, the clinical significance of this variant remains unclear.

Literature cited by the submitters: PubMed 29192238; PubMed 35884425.

NM_000535.7(PMS2):c.521A>G (p.Gln174Arg)

Gene: PMS2 (PMS1 homolog 2, mismatch repair system component; minus strand). Cytogenetic location: 7p22.1.
Variant type: single nucleotide variant.
Coding change: c.521A>G on transcript NM_000535.7 (MANE Select); coding-DNA position 521, A replaced by G.
Protein change: p.Gln174Arg; replaces glutamine 174 with arginine.
Molecular consequence: missense variant. On other transcripts: 5 prime UTR variant (2), non-coding transcript variant (1), intron variant (1).
Genome position (GRCh38, 1-based): chr7:6,002,469, T>C on the plus strand (A>G on the coding strand, the complement: PMS2 is on the minus strand). VCF-style: chr7-6002469-T-C. GRCh37 (hg19) VCF-style: chr7-6042100-T-C.
Other names: c.116A>G, p.Gln39Arg (NM_001322003.2, NM_001322004.2, NM_001322005.2 and 24 more transcripts); c.521A>G, p.Gln174Arg (NM_001322006.2, NM_001322014.2, NM_001406869.1 and 8 more transcripts); c.203A>G, p.Gln68Arg (NM_001322007.2, NM_001322008.2, NM_001406876.1 and 4 more transcripts); c.545A>G, p.Gln182Arg (NM_001406868.1); c.-364A>G (NM_001322011.2, NM_001322012.2); c.212A>G, p.Gln71Arg (NM_001322015.2, NM_001406875.1, NM_001406877.1 and 6 more transcripts); c.707A>G, p.Gln236Arg (NM_001406866.1); c.250+1503A>G (NM_001406885.1); short protein forms Q68R, Q174R, Q236R, Q39R, Q182R, Q71R.
Identifiers: ClinVar variation 3308104 (VCV003308104.1).